The following is an entry in ClinVar:

ClinVar aggregate classification (germline): Uncertain significance (1 of 4 stars; one submission).

Submission:

GeneDx
Classification: Uncertain significance. Last evaluated: 2025-04-08. Review status: criteria provided, single submitter. Criteria: GeneDx Variant Classification Process June 2021. Collection method: clinical testing. Allele origin: germline. Affected: yes.
Comment: Not observed at significant frequency in large population cohorts (gnomAD); In silico analysis supports that this missense variant has a deleterious effect on protein structure/function; Has not been previously published as pathogenic or benign to our knowledge

NM_000095.3(COMP):c.1040C>G (p.Ala347Gly)

Gene: COMP (cartilage oligomeric matrix protein; minus strand). Cytogenetic location: 19p13.11.
Variant type: single nucleotide variant.
Coding change: c.1040C>G on transcript NM_000095.3 (MANE Select); coding-DNA position 1040, C replaced by G.
Protein change: p.Ala347Gly; replaces alanine 347 with glycine.
Molecular consequence: missense variant.
Genome position (GRCh38, 1-based): chr19:18,787,586, G>C on the plus strand (C>G on the coding strand, the complement: COMP is on the minus strand). VCF-style: chr19-18787586-G-C. GRCh37 (hg19) VCF-style: chr19-18898395-G-C.
Other names: short protein forms A347G.
Identifiers: ClinVar variation 4281955 (VCV004281955.1).